The following is an entry in ClinVar:

NM_000702.4(ATP1A2):c.1704C>T (p.Phe568=)

Gene: ATP1A2 (ATPase Na+/K+ transporting subunit alpha 2; plus strand). Cytogenetic location: 1q23.2.
Variant type: single nucleotide variant.
Coding change: c.1704C>T on transcript NM_000702.4 (MANE Select); coding-DNA position 1704, C replaced by T.
Protein change: p.Phe568=; no amino-acid change (phenylalanine 568 retained).
Molecular consequence: synonymous variant.
Genome position (GRCh38, 1-based): chr1:160,130,474, C>T. VCF-style: chr1-160130474-C-T. GRCh37 (hg19) VCF-style: chr1-160100264-C-T.
Other names: p.F568F:TTC>TTT; p.Phe568=.
Identifiers: ClinVar variation 128479 (VCV000128479.32), dbSNP rs17846714, ClinGen allele CA288688.

ClinVar aggregate classification (germline): Benign/Likely benign. Review status: criteria provided, multiple submitters, no conflicts (2 of 4 stars). 18 submissions from 14 submitters: Benign (13); Likely benign (1). 4 of the submissions do not count toward it. Last evaluated 2026-02-03.

Conditions:
Developmental and epileptic encephalopathy 98. Identifiers: MedGen C5562017, MONDO:0030472, OMIM 619605.
Fetal akinesia, respiratory insufficiency, microcephaly, polymicrogyria, and dysmorphic facies. Identifiers: MedGen C5562015, MONDO:0859204, OMIM 619602.
Migraine, familial hemiplegic, 2. Identifiers: Orphanet 569, MedGen C1865322, MONDO:0011232, OMIM 602481.
Alternating hemiplegia of childhood 1 (AHC1). Identifiers: Orphanet 2131, MedGen C3549447, MONDO:0007087, OMIM 104290.
Inborn genetic diseases. Identifiers: MedGen C0950123, MeSH D030342.
Familial hemiplegic migraine. Identifiers: MedGen C0338484, MONDO:0000700.

Allele frequency attached by ClinVar (database versions not stated): 1000 Genomes Project 0.02776; 1000 Genomes Project 30x 0.03029; gnomAD 0.03487 and 0.03612; TOPMed 0.03549; ESP Exome Variant Server 0.03814.
gnomAD v4.1: 45,156 of 1,614,164 alleles (2.8%); highest among the groups gnomAD compares: Middle Eastern, 6%; 749 homozygotes.

Submissions (18):

Labcorp Genetics (formerly Invitae), Labcorp
Classification: Benign for Familial hemiplegic migraine. Last evaluated: 2026-02-03. Review status: criteria provided, single submitter. Criteria: Invitae Variant Classification Sherloc (09022015). Collection method: clinical testing. Allele origin: germline.

Athena Diagnostics
Classification: Benign. Last evaluated: 2025-07-18. Review status: criteria provided, single submitter. Criteria: Athena Diagnostics Criteria. Collection method: clinical testing. Allele origin: unknown.
Comment: The frequency of this variant in the general population is higher than would generally be expected for pathogenic variants in this gene. Computational tools yielded predictions that this variant is unlikely to have an effect on normal RNA splicing. This nucleotide position exhibits low evolutionary conservation.

Blueprint Genetics
Classification: Likely benign. Last evaluated: 2024-11-26. Review status: criteria provided, single submitter. Criteria: ACMG Guidelines, 2015. Collection method: clinical testing. Allele origin: germline.

Mayo Clinic Laboratories, Mayo Clinic
Classification: Benign. Last evaluated: 2022-03-24. Review status: criteria provided, single submitter. Criteria: ACMG Guidelines, 2015. Collection method: clinical testing. Allele origin: germline. Observed: 80 variant alleles.

Genome-Nilou Lab
Classification: Benign for Alternating hemiplegia of childhood 1. Last evaluated: 2021-12-05. Review status: criteria provided, single submitter. Criteria: ACMG Guidelines, 2015. Collection method: clinical testing. Allele origin: germline. Affected: no.

Genome-Nilou Lab
Classification: Benign for Developmental and epileptic encephalopathy 98. Last evaluated: 2021-12-05. Review status: criteria provided, single submitter. Criteria: ACMG Guidelines, 2015. Collection method: clinical testing. Allele origin: germline. Affected: no.

Genome-Nilou Lab
Classification: Benign for Fetal akinesia, respiratory insufficiency, microcephaly, polymicrogyria, and dysmorphic facies. Last evaluated: 2021-12-05. Review status: criteria provided, single submitter. Criteria: ACMG Guidelines, 2015. Collection method: clinical testing. Allele origin: germline. Affected: no.

Genome-Nilou Lab
Classification: Benign for Migraine, familial hemiplegic, 2. Last evaluated: 2021-12-05. Review status: criteria provided, single submitter. Criteria: ACMG Guidelines, 2015. Collection method: clinical testing. Allele origin: germline. Affected: no.

Illumina Laboratory Services, Illumina
Classification: Benign for Alternating hemiplegia of childhood 1. Last evaluated: 2018-01-12. Review status: criteria provided, single submitter. Criteria: ICSL Variant Classification Criteria 13 December 2019. Collection method: clinical testing. Allele origin: germline.
Comment: This variant was observed in the ICSL laboratory as part of a predisposition screen in an ostensibly healthy population. It had not been previously curated by ICSL or reported in the Human Gene Mutation Database (HGMD: prior to June 1st, 2018), and was therefore a candidate for classification through an automated scoring system. Utilizing variant allele frequency, disease prevalence and penetrance estimates, and inheritance mode, an automated score was calculated to assess if this variant is too frequent to cause the disease. Based on the score and internal cut-off values, a variant classified as benign is not then subjected to further curation. The score for this variant resulted in a classification of benign for this disease.

Illumina Laboratory Services, Illumina
Classification: Benign for Migraine, familial hemiplegic, 2. Last evaluated: 2018-01-12. Review status: criteria provided, single submitter. Criteria: ICSL Variant Classification Criteria 13 December 2019. Collection method: clinical testing. Allele origin: germline.
Comment: the same text as in the submission from Illumina Laboratory Services, Illumina above.

Ambry Genetics
Classification: Benign for Inborn genetic diseases. Last evaluated: 2016-03-21. Review status: criteria provided, single submitter. Criteria: Ambry Variant Classification Scheme 2023. Collection method: clinical testing. Allele origin: germline.

GeneDx
Classification: Benign. Last evaluated: 2012-06-12. Review status: criteria provided, single submitter. Criteria: GeneDx Variant Classification (06012015). Collection method: clinical testing. Allele origin: germline. Affected: yes.
Comment: This variant is considered likely benign or benign based on one or more of the following criteria: it is a conservative change, it occurs at a poorly conserved position in the protein, it is predicted to be benign by multiple in silico algorithms, and/or has population frequency not consistent with disease.

Breakthrough Genomics
Classification: Benign. Review status: criteria provided, single submitter. Criteria: ACMG Guidelines, 2015. Collection method: not provided. Allele origin: germline. Inheritance: Autosomal recessive inheritance. Affected: yes.

PreventionGenetics, part of Exact Sciences
Classification: Benign. Review status: criteria provided, single submitter. Criteria: ACMG Guidelines, 2015. Collection method: clinical testing. Allele origin: germline.

Genetic Services Laboratory, University of Chicago
Classification: Likely benign for AllHighlyPenetrant. Review status: no assertion criteria provided. Collection method: clinical testing. Allele origin: germline. Inheritance: Autosomal dominant inheritance. Not counted in ClinVar's aggregate classification.
Comment: Likely benign based on allele frequency in 1000 Genomes Project or ESP global frequency and its presence in a patient with a rare or unrelated disease phenotype. NOT Sanger confirmed.

Genome Diagnostics Laboratory, University Medical Center Utrecht
Classification: Benign. Review status: no assertion criteria provided. Collection method: clinical testing. Allele origin: germline. Affected: yes. Study: VKGL Data-share Consensus. Not counted in ClinVar's aggregate classification.

Joint Genome Diagnostic Labs from Nijmegen and Maastricht, Radboudumc and MUMC+
Classification: Benign. Review status: no assertion criteria provided. Collection method: clinical testing. Allele origin: germline. Affected: yes. Study: VKGL Data-share Consensus. Not counted in ClinVar's aggregate classification.

Laboratory of Diagnostic Genome Analysis, Leiden University Medical Center (LUMC)
Classification: Benign. Review status: no assertion criteria provided. Collection method: clinical testing. Allele origin: germline. Affected: yes. Study: VKGL Data-share Consensus. Not counted in ClinVar's aggregate classification.

Literature cited by the submitters: PubMed 16088919 (cited by Athena Diagnostics); PubMed 16110494 (cited by Athena Diagnostics).